The following is an entry in ClinVar:

NM_000488.4(SERPINC1):c.42-18C>T

Gene: SERPINC1 (serpin family C member 1; minus strand). Cytogenetic location: 1q25.1.
Variant type: single nucleotide variant.
Coding change: c.42-18C>T on transcript NM_000488.4 (MANE Select); 18 bases into the intron before coding-DNA position 42, C replaced by T.
Molecular consequence: intron variant.
Genome position (GRCh38, 1-based): chr1:173,914,937, G>A on the plus strand (C>T on the coding strand, the complement: SERPINC1 is on the minus strand). VCF-style: chr1-173914937-G-A. GRCh37 (hg19) VCF-style: chr1-173884075-G-A.
Other names: c.123-18C>T (NM_001386303.1); c.42-18C>T (NM_001386306.1, NM_001386304.1, NM_001386305.1 and 1 more transcripts); c.-103-18C>T (NM_001365052.2).
Identifiers: ClinVar variation 1624905 (VCV001624905.10), dbSNP rs2227599, ClinGen allele CA1251479.

ClinVar aggregate classification (germline): Benign. Review status: reviewed by expert panel (3 of 4 stars). 3 submissions from 3 submitters: Benign (1). 2 of the submissions do not count toward it. Last evaluated 2023-07-25.

Conditions:
Hereditary antithrombin deficiency (AT3D). Also called: Antithrombin deficiency; Antithrombin III deficiency; Thrombophilia due to antithrombin III deficiency; Reduced antithrombin III activity. Identifiers: Orphanet 82, MedGen C0272375, MONDO:0013144, OMIM 613118, HP:0001976.

Allele frequency attached by ClinVar (database versions not stated): gnomAD exomes 0.00232 and 0.00615; ExAC 0.00764; gnomAD 0.02345 and 0.02503; 1000 Genomes Project 0.02536; ESP Exome Variant Server 0.02600; TOPMed 0.02604; 1000 Genomes Project 30x 0.02639.
gnomAD v4.1: 7,078 of 1,609,394 alleles (0.44%); highest among the groups gnomAD compares: African/African-American, 8.3%; 277 homozygotes.

Submissions (3):

Clingen Thrombosis Variant Curation Expert Panel, ClinGen
Classification: Benign for Hereditary antithrombin deficiency. Last evaluated: 2023-07-25. Review status: reviewed by expert panel. Criteria: ClinGen ACMG Specifications SERPINC1 V1.0.0. Collection method: curation. Allele origin: germline. Inheritance: Autosomal dominant inheritance.
Comment: The NM_000488.4:c.42-18C>T variant is reported at a popmax FAF of 0.0771 and the highest MAF of 0.08248 (8%; 1996/24200 alleles with 85 homozygotes) in the African/African American population in gnomAD v2.1.1, meeting criteria for BA1 (MAF >0.002). The variant is reported in 2 individuals with normal antithrombin levels. In summary, this variant meets criteria to be classified as benign. ACMG/AMP criteria applied, as specified by the Thrombosis Variant Curation Expert Panel for SERPINC1: BA1, BS2.

Labcorp Genetics (formerly Invitae), Labcorp
Classification: Benign for Hereditary antithrombin deficiency. Last evaluated: 2026-02-03. Review status: criteria provided, single submitter. Criteria: Invitae Variant Classification Sherloc (09022015). Collection method: clinical testing. Allele origin: germline. Not counted in ClinVar's aggregate classification.

Breakthrough Genomics
Classification: Benign. Review status: criteria provided, single submitter. Criteria: ACMG Guidelines, 2015. Collection method: not provided. Allele origin: germline. Inheritance: Autosomal dominant inheritance. Affected: yes. Not counted in ClinVar's aggregate classification.